The following is an entry in ClinVar:

NM_001173524.2(RO60):c.1317G>A (p.Gln439=)

Gene: RO60 (Ro60, Y RNA binding protein; plus strand). Cytogenetic location: 1q31.2.
Variant type: single nucleotide variant.
Coding change: c.1317G>A on transcript NM_001173524.2 (MANE Select); coding-DNA position 1317, G replaced by A.
Protein change: p.Gln439=; no amino-acid change (glutamine 439 retained).
Molecular consequence: synonymous variant.
Genome position (GRCh38, 1-based): chr1:193,082,299, G>A. VCF-style: chr1-193082299-G-A. GRCh37 (hg19) VCF-style: chr1-193051429-G-A.
Other names: c.1317G>A, p.Gln439= (NM_001042369.2, NM_001042370.2, NM_001173525.1 and 1 more transcripts); c.492G>A, p.Gln164= (NM_001331020.2).
Identifiers: ClinVar variation 2639672 (VCV002639672.24), dbSNP rs1176403883, ClinGen allele CA422345273.
Genomic context (GRCh38, chr1:193,082,299, plus strand): 5'-GGTACCATGTCCAGTGACTACAGATATGACCTTACAACAGGTTTTAATGGCTATGAGTCA[G>A]GTAAGAAACTGTGTTTTTTAAGTTTACTTAGTTAAGTTTACATAACGTGTAGAATGATTT-3'
Protein context (NP_001166995.1, residues 429-449): TLQQVLMAMS[Gln439=]IPAGGTDCSL

ClinVar aggregate classification (germline): Likely benign (1 of 4 stars; one submission).

Allele frequency attached by ClinVar (database versions not stated): gnomAD 0.00001; TOPMed below 0.00001.

Submission:

CeGaT Center for Human Genetics Tuebingen
Classification: Likely benign. Last evaluated: 2022-05-01. Review status: criteria provided, single submitter. Criteria: CeGaT Center For Human Genetics Tuebingen Variant Classification Criteria Version 2. Collection method: clinical testing. Allele origin: germline. Affected: yes. Observed: 1 variant allele.
Comment: RO60: BP4, BP7